The following is an entry in ClinVar:

ClinVar aggregate classification (germline): Benign. Review status: criteria provided, multiple submitters, no conflicts (2 of 4 stars). 2 submissions from 2 submitters: Benign (2). Last evaluated 2018-06-15.

Allele frequency attached by ClinVar (database versions not stated): TOPMed 0.22099; gnomAD 0.22084; 1000 Genomes Project 0.23083; 1000 Genomes Project 30x 0.23001.
gnomAD v4.1: 89,860 of 449,418 alleles (20%); highest among the groups gnomAD compares: East Asian, 32%; 9,500 homozygotes.

Submissions (2):

GeneDx
Classification: Benign. Last evaluated: 2018-06-15. Review status: criteria provided, single submitter. Criteria: GeneDx Variant Classification (06012015). Collection method: clinical testing. Allele origin: germline. Affected: yes.
Comment: This variant is considered likely benign or benign based on one or more of the following criteria: it is a conservative change, it occurs at a poorly conserved position in the protein, it is predicted to be benign by multiple in silico algorithms, and/or has population frequency not consistent with disease.

Breakthrough Genomics
Classification: Benign. Review status: criteria provided, single submitter. Criteria: ACMG Guidelines, 2015. Collection method: not provided. Allele origin: germline. Inheritance: Autosomal recessive inheritance. Affected: yes.

NM_021167.5(GATAD1):c.436-234C>G

Gene: GATAD1 (GATA zinc finger domain containing 1; plus strand). Cytogenetic location: 7q21.2.
Variant type: single nucleotide variant.
Coding change: c.436-234C>G on transcript NM_021167.5 (MANE Select); 234 bases into the intron before coding-DNA position 436, C replaced by G.
Molecular consequence: intron variant.
Genome position (GRCh38, 1-based): chr7:92,454,268, C>G. VCF-style: chr7-92454268-C-G. GRCh37 (hg19) VCF-style: chr7-92083582-C-G.
Identifiers: ClinVar variation 678495 (VCV000678495.2), dbSNP rs6465358, ClinGen allele CA12593080.